The following is an entry in ClinVar:

ClinVar aggregate classification (germline): Uncertain significance (1 of 4 stars; one submission).

gnomAD v4.1: 2 of 1,613,560 alleles (0.00012%); highest among the groups gnomAD compares: Non-Finnish European, 0.00017%; no homozygotes.

Submission:

GeneDx
Classification: Uncertain significance. Last evaluated: 2022-01-03. Review status: criteria provided, single submitter. Criteria: GeneDx Variant Classification Process June 2021. Collection method: clinical testing. Allele origin: germline. Affected: yes.
Comment: Not observed at significant frequency in large population cohorts (gnomAD); In silico analysis, which includes splice predictors and evolutionary conservation, suggests this variant may impact gene splicing. In the absence of RNA/functional studies, the actual effect of this sequence change is unknown.; Has not been previously published as pathogenic or benign to our knowledge

NM_005993.5(TBCD):c.3453G>A (p.Val1151=)

Gene: TBCD (tubulin folding cofactor D). Cytogenetic location: 17q25.3.
Variant type: single nucleotide variant.
Coding change: c.3453G>A on transcript NM_005993.5 (MANE Select); coding-DNA position 3453, G replaced by A.
Protein change: p.Val1151=; no amino-acid change (valine 1151 retained).
Molecular consequence: synonymous variant.
Genome position (GRCh38, 1-based): chr17:82,939,450, G>A. VCF-style: chr17-82939450-G-A. GRCh37 (hg19) VCF-style: chr17-80897326-G-A.
Other names: c.3402G>A, p.Val1134= (NM_001411101.1); c.3372G>A, p.Val1124= (NM_001411102.1).
Identifiers: ClinVar variation 1693372 (VCV001693372.2), dbSNP rs1352420056, ClinGen allele CA502590137.